The following is an entry in ClinVar:

NM_001363118.2(SLC52A2):c.606C>T (p.Ala202=)

Gene: SLC52A2 (solute carrier family 52 member 2; plus strand). Cytogenetic location: 8q24.3.
Variant type: single nucleotide variant.
Coding change: c.606C>T on transcript NM_001363118.2 (MANE Select); coding-DNA position 606, C replaced by T.
Protein change: p.Ala202=; no amino-acid change (alanine 202 retained).
Molecular consequence: synonymous variant. On other transcripts: non-coding transcript variant (1), intron variant (1).
Genome position (GRCh38, 1-based): chr8:144,360,098, C>T. VCF-style: chr8-144360098-C-T. GRCh37 (hg19) VCF-style: chr8-145583758-C-T.
Other names: c.606C>T, p.Ala202= (NM_001253815.2, NM_001253816.2, NM_001363120.2 and 2 more transcripts); c.131-17C>T (NM_001363122.2); c.606C>T (NM_001253816.1).
Identifiers: ClinVar variation 540440 (VCV000540440.39), dbSNP rs187632310, ClinGen allele CA4938238.
Genomic context (GRCh38, chr8:144,360,098, plus strand): 5'-CCCCCCGCTCGACTTCCTTGAGCGTTTTCCCGCCAGCACCTTCTTCTGGGCACTGACTGC[C>T]CTTCTGGTCGCTTCAGCTGCTGCCTTCCAGGGTCTTCTGCTGCTGTTGCCGCCACCACCA-3'
Protein context (NP_001350047.1, residues 192-212): PASTFFWALT[Ala202=]LLVASAAAFQ

ClinVar aggregate classification (germline): Likely benign. Review status: criteria provided, multiple submitters, no conflicts (2 of 4 stars). 5 submissions from 5 submitters: Likely benign (5). Last evaluated 2026-09-19.

Conditions:
Inborn genetic diseases. Identifiers: MedGen C0950123, MeSH D030342.
Brown-Vialetto-van Laere syndrome 2. Also called: Riboflavin transporter deficiency type 2; SPINOCEREBELLAR ATAXIA WITH BLINDNESS AND DEAFNESS 2. Identifiers: Orphanet 572543, Orphanet 97229, MedGen C3553538, MONDO:0013867, OMIM 614707.
SLC52A2-related disorder. Also called: SLC52A2-related condition.

Allele frequency attached by ClinVar (database versions not stated): gnomAD exomes 0.00004 and 0.00018; TOPMed 0.00012; ExAC 0.00020; 1000 Genomes Project 30x 0.00031; gnomAD 0.00004 and 0.00006; 1000 Genomes Project 0.00020.
gnomAD v4.1: 70 of 1,612,988 alleles (0.0043%); highest among the groups gnomAD compares: East Asian, 0.091%; 1 homozygote.

Submissions (5):

PreventionGenetics, part of Exact Sciences
Classification: Likely benign for SLC52A2-related condition. Last evaluated: 2026-09-19. Review status: criteria provided, single submitter. Criteria: ACMG Guidelines, 2015. Collection method: clinical testing. Allele origin: germline.
Comment: This variant is classified as likely benign based on ACMG/AMP sequence variant interpretation guidelines (Richards et al. 2015 PMID: 25741868, with internal and published modifications).

Blueprint Genetics
Classification: Likely benign. Last evaluated: 2024-11-26. Review status: criteria provided, single submitter. Criteria: ACMG Guidelines, 2015. Collection method: clinical testing. Allele origin: germline.

Labcorp Genetics (formerly Invitae), Labcorp
Classification: Likely benign for Brown-Vialetto-van Laere syndrome 2. Last evaluated: 2024-10-02. Review status: criteria provided, single submitter. Criteria: Invitae Variant Classification Sherloc (09022015). Collection method: clinical testing. Allele origin: germline.

CeGaT Center for Human Genetics Tuebingen
Classification: Likely benign. Last evaluated: 2023-10-01. Review status: criteria provided, single submitter. Criteria: CeGaT Center For Human Genetics Tuebingen Variant Classification Criteria Version 2. Collection method: clinical testing. Allele origin: germline. Affected: yes. Observed: 1 variant allele.
Comment: SLC52A2: BP4, BP7

Ambry Genetics
Classification: Likely benign for Inborn genetic diseases. Last evaluated: 2019-07-11. Review status: criteria provided, single submitter. Criteria: Ambry Variant Classification Scheme 2023. Collection method: clinical testing. Allele origin: germline.